The following is an entry in ClinVar:

ClinVar aggregate classification (germline): Likely pathogenic (1 of 4 stars; one submission).

Submission:

Labcorp Genetics (formerly Invitae), Labcorp
Classification: Likely pathogenic. Last evaluated: 2023-06-06. Review status: criteria provided, single submitter. Criteria: Invitae Variant Classification Sherloc (09022015). Collection method: clinical testing. Allele origin: germline.
Comment: This sequence change affects a donor splice site in intron 28 of the SI gene. It is expected to disrupt RNA splicing. Variants that disrupt the donor or acceptor splice site typically lead to a loss of protein function (PMID: 16199547), and loss-of-function variants in SI are known to be pathogenic (PMID: 16329100, 23103650, 25452324). This variant is not present in population databases (gnomAD no frequency). This variant has not been reported in the literature in individuals affected with SI-related conditions. Algorithms developed to predict the effect of sequence changes on RNA splicing suggest that this variant may disrupt the consensus splice site. In summary, the currently available evidence indicates that the variant is pathogenic, but additional data are needed to prove that conclusively. Therefore, this variant has been classified as Likely Pathogenic.

Literature cited by the submitters: PubMed 16199547; PubMed 16329100; PubMed 23103650; PubMed 25452324.

NM_001041.4(SI):c.3423+1G>A

Gene: SI (sucrase-isomaltase; minus strand). Cytogenetic location: 3q26.1.
Variant type: single nucleotide variant.
Coding change: c.3423+1G>A on transcript NM_001041.4 (MANE Select); the canonical splice donor site of the intron after coding-DNA position 3423, G replaced by A.
Molecular consequence: splice donor variant.
Genome position (GRCh38, 1-based): chr3:165,019,601, C>T on the plus strand (G>A on the coding strand, the complement: SI is on the minus strand). VCF-style: chr3-165019601-C-T. GRCh37 (hg19) VCF-style: chr3-164737389-C-T.
Identifiers: ClinVar variation 2693721 (VCV002693721.3), dbSNP rs2473281900, ClinGen allele CA355038860.